The following is an entry in ClinVar:

ClinVar aggregate classification (germline): Likely benign. Review status: criteria provided, multiple submitters, no conflicts (2 of 4 stars). 2 submissions from 2 submitters: Likely benign (2). Last evaluated 2026-10-01.

Submissions (2):

CeGaT Center for Human Genetics Tuebingen
Classification: Likely benign. Last evaluated: 2026-10-01. Review status: criteria provided, single submitter. Criteria: CeGaT Center For Human Genetics Tuebingen Variant Classification Criteria Version 2. Collection method: clinical testing. Allele origin: germline. Affected: yes. Observed: 1 variant allele.
Comment: CASZ1: BP4, BP7

Labcorp Genetics (formerly Invitae), Labcorp
Classification: Likely benign. Last evaluated: 2026-01-07. Review status: criteria provided, single submitter. Criteria: Invitae Variant Classification Sherloc (09022015). Collection method: clinical testing. Allele origin: germline.

NM_001079843.3(CASZ1):c.2100G>A (p.Ser700=)

Gene: CASZ1 (castor zinc finger 1; minus strand). Cytogenetic location: 1p36.22.
Variant type: single nucleotide variant.
Coding change: c.2100G>A on transcript NM_001079843.3 (MANE Select); coding-DNA position 2100, G replaced by A.
Protein change: p.Ser700=; no amino-acid change (serine 700 retained).
Molecular consequence: synonymous variant.
Genome position (GRCh38, 1-based): chr1:10,653,957, C>T on the plus strand (G>A on the coding strand, the complement: CASZ1 is on the minus strand). VCF-style: chr1-10653957-C-T. GRCh37 (hg19) VCF-style: chr1-10714014-C-T.
Other names: c.2100G>A, p.Ser700= (NM_017766.5).
Identifiers: ClinVar variation 4691607 (VCV004691607.2).